The following is an entry in ClinVar:

ClinVar aggregate classification (germline): Benign/Likely benign. Review status: criteria provided, multiple submitters, no conflicts (2 of 4 stars). 15 submissions from 15 submitters: Benign (8); Likely benign (5). 2 of the submissions do not count toward it. Last evaluated 2026-08-01.

Conditions:
Colorectal cancer, hereditary nonpolyposis, type 6. Also called: Colon cancer, hereditary nonpolyposis, type 6; Colon cancer, hereditary nonpolyposis, type 6, somatic. Identifiers: Orphanet 144, MedGen C1860896, MONDO:0013695, OMIM 614331.
Malignant tumor of esophagus. Also called: Esophageal cancer, somatic; Esophageal cancer. Identifiers: Orphanet 99977, MedGen C0546837, MONDO:0007576, OMIM 133239.
Loeys-Dietz syndrome 2 (LDS2). Also called: Marfan Syndrome type 2; Marfan like connective tissue disorder; MFS 2; AORTIC ANEURYSM, FAMILIAL THORACIC 3; MARFAN SYNDROME, TYPE II; TGFBR2-Related Loeys-Dietz Syndrome. Identifiers: Orphanet 284973, Orphanet 558, MedGen C2674574, MONDO:0012427, OMIM 610168.
Familial thoracic aortic aneurysm and aortic dissection (TAAD). Also called: Thoracic aortic aneurysms and dissections. Identifiers: Orphanet 91387, MedGen C4707243, MONDO:0019625.

Allele frequency attached by ClinVar (database versions not stated): gnomAD 0.00039 and 0.00070; gnomAD exomes 0.00051 and 0.00156; TOPMed 0.00090; ExAC 0.00161; 1000 Genomes Project 30x 0.00344; 1000 Genomes Project 0.00399.

Submissions (15):

CeGaT Center for Human Genetics Tuebingen
Classification: Likely benign. Last evaluated: 2026-08-01. Review status: criteria provided, single submitter. Criteria: CeGaT Center For Human Genetics Tuebingen Variant Classification Criteria Version 2. Collection method: clinical testing. Allele origin: germline. Affected: yes. Observed: 2 variant alleles.
Comment: TGFBR2: BP4

Labcorp Genetics (formerly Invitae), Labcorp
Classification: Benign for Familial thoracic aortic aneurysm and aortic dissection. Last evaluated: 2026-02-01. Review status: criteria provided, single submitter. Criteria: Invitae Variant Classification Sherloc (09022015). Collection method: clinical testing. Allele origin: germline.

Mayo Clinic Laboratories, Mayo Clinic
Classification: Benign. Last evaluated: 2025-05-05. Review status: criteria provided, single submitter. Criteria: ACMG Guidelines, 2015. Collection method: clinical testing. Allele origin: germline. Observed: 1 variant allele.
Comment: BS1, BS2, BP4_moderate

Blueprint Genetics
Classification: Likely benign. Last evaluated: 2024-10-28. Review status: criteria provided, single submitter. Criteria: ACMG Guidelines, 2015. Collection method: clinical testing. Allele origin: germline.

All of Us Research Program, National Institutes of Health
Classification: Benign for Loeys-Dietz syndrome 2. Last evaluated: 2024-09-27. Review status: criteria provided, single submitter. Criteria: ACMG Guidelines, 2015. Collection method: clinical testing. Allele origin: germline. Inheritance: Autosomal dominant inheritance. Observed: 142 variant alleles, 141 heterozygotes, 1 homozygote.
Comment: This study involves interpretation of variants in research participants for the purpose of population health screening. Participant phenotype was not available at the time of variant classification. Additional details can be found in publication PMID: 35346344, PMCID: PMC8962531

ARUP Laboratories, Molecular Genetics and Genomics, ARUP Laboratories
Classification: Likely benign. Last evaluated: 2023-04-07. Review status: criteria provided, single submitter. Criteria: ARUP Molecular Germline Variant Investigation Process 2024. Collection method: clinical testing. Allele origin: germline.

Fulgent Genetics
Classification: Likely benign for Malignant tumor of esophagus; Loeys-Dietz syndrome 2; Colorectal cancer, hereditary nonpolyposis, type 6. Last evaluated: 2022-01-19. Review status: criteria provided, single submitter. Criteria: ACMG Guidelines, 2015. Collection method: clinical testing. Allele origin: unknown.

Color Diagnostics, LLC DBA Color Health
Classification: Benign for Familial thoracic aortic aneurysm and aortic dissection. Last evaluated: 2018-03-08. Review status: criteria provided, single submitter. Criteria: ACMG Guidelines, 2015. Collection method: clinical testing. Allele origin: germline.

Women's Health and Genetics/Laboratory Corporation of America, LabCorp
Classification: Benign. Last evaluated: 2017-08-16. Review status: criteria provided, single submitter. Criteria: LabCorp Variant Classification Summary - May 2015. Collection method: clinical testing. Allele origin: germline.
Comment: Variant summary: The TGFBR2 c.571G>A (p.Val191Ile) variant involves the alteration of a conserved nucleotide, resulting in a missense change. 4/4 in silico tools predict a benign outcome for this variant (SNPsandGO not captured due to low reliability index). This variant was found in 196 of 121384 control chromosomes (2 homozygotes) of all ethnicities sampled in ExAC, but was predominantly observed in the East Asian subpopulation at a frequency of 0.018741 (162/8644; 2 homozygotes). This frequency is about 5997 times the estimated maximal expected allele frequency of a pathogenic TGFBR2 variant (0.0000031), strongly suggesting this is likely a benign polymorphism found primarily in the populations of East Asian origin. The variant is referred to as a polymorphism in the literature and has been used as a SNP in an association study. In addition, multiple clinical diagnostic laboratories/reputable databases classified this variant as benign. Taken together, this variant is classified as benign.

Illumina Laboratory Services, Illumina
Classification: Likely benign for Loeys-Dietz syndrome 2. Last evaluated: 2017-04-27. Review status: criteria provided, single submitter. Criteria: ICSL Variant Classification Criteria 13 December 2019. Collection method: clinical testing. Allele origin: germline.
Comment: This variant was observed as part of a predisposition screen in an ostensibly healthy population. A literature search was performed for the gene, cDNA change, and amino acid change (where applicable). No publications were found based on this search. Allele frequency data from public databases allowed determination this variant is unlikely to cause disease. Therefore, this variant is classified as likely benign.

Ambry Genetics
Classification: Benign for Familial thoracic aortic aneurysm and aortic dissection. Last evaluated: 2016-03-21. Review status: criteria provided, single submitter. Criteria: Ambry Variant Classification Scheme 2023. Collection method: clinical testing. Allele origin: germline.

CHEO Genetics Diagnostic Laboratory, Children's Hospital of Eastern Ontario
Classification: Benign for Familial thoracic aortic aneurysm and aortic dissection. Last evaluated: 2016-02-02. Review status: criteria provided, single submitter. Criteria: ACMG Guidelines, 2015. Collection method: clinical testing. Allele origin: germline. Study: Canadian Open Genetics Repository.

GeneDx
Classification: Benign. Last evaluated: 2013-07-02. Review status: criteria provided, single submitter. Criteria: GeneDx Variant Classification (06012015). Collection method: clinical testing. Allele origin: germline. Affected: yes.
Comment: This variant is considered likely benign or benign based on one or more of the following criteria: it is a conservative change, it occurs at a poorly conserved position in the protein, it is predicted to be benign by multiple in silico algorithms, and/or has population frequency not consistent with disease.

Genome Diagnostics Laboratory, Amsterdam University Medical Center
Classification: Likely benign. Review status: no assertion criteria provided. Collection method: clinical testing. Allele origin: germline. Affected: yes. Study: VKGL Data-share Consensus. Not counted in ClinVar's aggregate classification.

Genome Diagnostics Laboratory, University Medical Center Utrecht
Classification: Likely benign. Review status: no assertion criteria provided. Collection method: clinical testing. Allele origin: germline. Affected: yes. Study: VKGL Data-share Consensus. Not counted in ClinVar's aggregate classification.

Literature cited by the submitters: PubMed 31769227 (cited by Mayo Clinic Laboratories, Mayo Clinic); PubMed 33064175 (cited by Mayo Clinic Laboratories, Mayo Clinic); PubMed 12202987 (cited by Women's Health and Genetics/Laboratory Corporation of America, LabCorp); PubMed 23228659 (cited by Women's Health and Genetics/Laboratory Corporation of America, LabCorp).

NM_003242.6(TGFBR2):c.571G>A (p.Val191Ile)

Gene: TGFBR2 (transforming growth factor beta receptor 2; plus strand). Cytogenetic location: 3p24.1.
Variant type: single nucleotide variant.
Coding change: c.571G>A on transcript NM_003242.6 (MANE Select); coding-DNA position 571, G replaced by A.
Protein change: p.Val191Ile; replaces valine 191 with isoleucine.
Molecular consequence: missense variant.
Genome position (GRCh38, 1-based): chr3:30,671,754, G>A. VCF-style: chr3-30671754-G-A. GRCh37 (hg19) VCF-style: chr3-30713246-G-A.
Other names: p.V191I:GTT>ATT; c.646G>A, p.Val216Ile (NM_001024847.3); c.754G>A, p.Val252Ile (NM_001407126.1); c.679G>A, p.Val227Ile (NM_001407127.1); c.598G>A, p.Val200Ile (NM_001407128.1); c.574G>A, p.Val192Ile (NM_001407129.1); c.571G>A, p.Val191Ile (NM_001407130.1); c.466G>A, p.Val156Ile (NM_001407132.1, NM_001407133.1, NM_001407134.1 and 2 more transcripts); and 2 more; short protein forms V216I, V191I, V192I, V200I, V227I, V252I, V71I, V156I.
Identifiers: ClinVar variation 137635 (VCV000137635.34), dbSNP rs56105708, ClinGen allele CA020776.